The following is an entry in ClinVar:

ClinVar aggregate classification (germline): Pathogenic (1 of 4 stars; one submission).

Conditions:
Polycystic kidney disease, adult type (PKD1). Also called: POLYCYSTIC KIDNEY DISEASE, ADULT, TYPE I; Polycystic Kidney Disease 1, Autosomal Dominant; Polycystic kidney disease 1; Polycystic kidney disease 1, severe; Polycystic Kidney, Autosomal Dominant; POLYCYSTIC KIDNEY DISEASE 1 WITH OR WITHOUT POLYCYSTIC LIVER DISEASE. Identifiers: MedGen C3149841, MONDO:0008263, OMIM 173900.

Submission:

Victorian Clinical Genetics Services, Murdoch Childrens Research Institute
Classification: Pathogenic for Polycystic kidney disease, adult type. Last evaluated: 2025-10-17. Review status: criteria provided, single submitter. Criteria: ACMG Guidelines, 2015. Collection method: clinical testing. Allele origin: germline. Affected: yes.
Comment: This variant is classified as Pathogenic. Evidence in support of pathogenic classification: Variant is predicted to cause nonsense-mediated decay (NMD) and loss of protein (premature termination codon is located at least 54 nucleotides upstream of the final exon-exon junction); Variant is absent from gnomAD (both v2 and v3); Other NMD predicted variants comparable to the one identified in this case have very strong previous evidence for pathogenicity (DECIPHER). Additional information: This variant is heterozygous; This gene is associated with autosomal dominant disease. Polycystic kidney disease 1 (MIM#173900) is predominantly caused by monoallelic variants, with rare reports of biallelic variants causing disease (OMIM); Loss of function is a known mechanism of disease in this gene and is associated with polycystic kidney disease 1 (MIM#173900); Inheritance information for this variant is not currently available in this individual.

NM_001009944.3(PKD1):c.5372del (p.Asn1791fs)

Gene: PKD1 (polycystin 1, transient receptor potential channel interacting; minus strand). Cytogenetic location: 16p13.3.
Variant type: Deletion.
Coding change: c.5372del on transcript NM_001009944.3 (MANE Select); coding-DNA position 5372, one base deleted (A; older notation c.5372delA).
Protein change: p.Asn1791fs; shifts the reading frame from asparagine 1791.
Molecular consequence: frameshift variant.
Genome position (GRCh38, 1-based): chr16:2,109,795, T deleted on the plus strand (A on the coding strand, the reverse complement: PKD1 is on the minus strand); the first of 2 consecutive T bases (chr16:2,109,795-2,109,796); deleting either gives the same sequence. VCF-style (leftmost placement, unchanged base first): chr16-2109794-GT-G. GRCh37 (hg19) VCF-style: chr16-2159795-GT-G.
Other names: c.5372del, p.Asn1791fs (NM_000296.4); c.5372delA (NM_001009944.2); short protein forms N1791fs.
Identifiers: ClinVar variation 3376947 (VCV003376947.2).
Genomic context (GRCh38, chr16:2,109,794, plus strand): 5'-CTCGCTGGCCCTGATGCTGAGGCCACTCACAGGCACCTGCACATCCACTTCCACGGTGGC[GT>G]TGGCTGAGCCCAGCGGGTTCCCTGCCGTCATGGTGACCAAGTGCAGGCCGGGTGTGGGGA-3'